The following is an entry in ClinVar:

NM_198525.3(KIF7):c.971C>T (p.Ala324Val)

Gene: KIF7 (kinesin family member 7; minus strand). Cytogenetic location: 15q26.1.
Variant type: single nucleotide variant.
Coding change: c.971C>T on transcript NM_198525.3 (MANE Select); coding-DNA position 971, C replaced by T.
Protein change: p.Ala324Val; replaces alanine 324 with valine.
Molecular consequence: missense variant.
Genome position (GRCh38, 1-based): chr15:89,648,727, G>A on the plus strand (C>T on the coding strand, the complement: KIF7 is on the minus strand). VCF-style: chr15-89648727-G-A. GRCh37 (hg19) VCF-style: chr15-90191958-G-A.
Other names: short protein forms A324V.
Identifiers: ClinVar variation 1350413 (VCV001350413.6), dbSNP rs2142029500, ClinGen allele CA393773338.
Genomic context (GRCh38, chr15:89,648,727, plus strand): 5'-CTGGCGTAGTTGAGGGTGTTGAGGGTCTCGTCGAAGTCGGAGGAGGAAGGGCTGACGCAG[G>A]CGATCATCACCGTCTTGGCGTTCCCGCCCAGCGAGTCTTTGAGGATCCTGAGGGCGCGAG-3'
Protein context (NP_940927.2, residues 314-334): LGGNAKTVMI[Ala324Val]CVSPSSSDFD

ClinVar aggregate classification (germline): Uncertain significance (1 of 4 stars; one submission).

Conditions:
Acrocallosal syndrome (ACLS). Also called: HALLUX DUPLICATION, POSTAXIAL POLYDACTYLY, AND ABSENCE OF CORPUS CALLOSUM; Schinzel syndrome 1; Absence of corpus callosum with unusual facial appearance, mental deficiency, duplication of the halluces and polydactyly. Identifiers: Orphanet 36, MedGen C0796147, MONDO:0008708, OMIM 200990.

Allele frequency attached by ClinVar (database versions not stated): gnomAD exomes below 0.00001.
gnomAD v4.1: 3 of 1,536,292 alleles (0.0002%); highest among the groups gnomAD compares: African/African-American, 0.0027%; no homozygotes.

Submission:

Labcorp Genetics (formerly Invitae), Labcorp
Classification: Uncertain significance for Acrocallosal syndrome. Last evaluated: 2021-11-09. Review status: criteria provided, single submitter. Criteria: Invitae Variant Classification Sherloc (09022015). Collection method: clinical testing. Allele origin: germline.
Comment: Algorithms developed to predict the effect of missense changes on protein structure and function are either unavailable or do not agree on the potential impact of this missense change (SIFT: "Deleterious"; PolyPhen-2: "Possibly Damaging"; Align-GVGD: "Class C0"). This sequence change replaces alanine, which is neutral and non-polar, with valine, which is neutral and non-polar, at codon 324 of the KIF7 protein (p.Ala324Val). This variant is not present in population databases (gnomAD no frequency). This variant has not been reported in the literature in individuals affected with KIF7-related conditions. In summary, the available evidence is currently insufficient to determine the role of this variant in disease. Therefore, it has been classified as a Variant of Uncertain Significance.